The following is an entry in ClinVar:

ClinVar aggregate classification (germline): Uncertain significance (1 of 4 stars; one submission).

Conditions:
Supravalvar aortic stenosis (SVAS). Also called: Supravalvar aortic stenosis, Eisenberg type. Identifiers: Orphanet 3193, MedGen C0003499, MONDO:0008504, OMIM 185500, HP:0004381.

Submission:

Labcorp Genetics (formerly Invitae), Labcorp
Classification: Uncertain significance for Supravalvar aortic stenosis. Last evaluated: 2025-03-26. Review status: criteria provided, single submitter. Criteria: Invitae Variant Classification Sherloc (09022015). Collection method: clinical testing. Allele origin: germline.
Comment: This sequence change replaces alanine, which is neutral and non-polar, with threonine, which is neutral and polar, at codon 690 of the ELN protein (p.Ala690Thr). This variant is not present in population databases (gnomAD no frequency). This variant has not been reported in the literature in individuals affected with ELN-related conditions. Invitae Evidence Modeling of protein sequence and biophysical properties (such as structural, functional, and spatial information, amino acid conservation, physicochemical variation, residue mobility, and thermodynamic stability) indicates that this missense variant is not expected to disrupt ELN protein function with a negative predictive value of 80%. In summary, the available evidence is currently insufficient to determine the role of this variant in disease. Therefore, it has been classified as a Variant of Uncertain Significance.

NM_000501.4(ELN):c.1882G>A (p.Ala628Thr)

Gene: ELN (elastin; plus strand). Cytogenetic location: 7q11.23.
Variant type: single nucleotide variant.
Coding change: c.1882G>A on transcript NM_000501.4 (MANE Select); coding-DNA position 1882, G replaced by A.
Protein change: p.Ala628Thr; replaces alanine 628 with threonine.
Molecular consequence: missense variant.
Genome position (GRCh38, 1-based): chr7:74,063,333, G>A. VCF-style: chr7-74063333-G-A. GRCh37 (hg19) VCF-style: chr7-73477663-G-A.
Other names: c.1795G>A, p.Ala599Thr (NM_001081752.3); c.1840G>A, p.Ala614Thr (NM_001081753.3); c.1897G>A, p.Ala633Thr (NM_001081754.3); c.1825G>A, p.Ala609Thr (NM_001081755.3); c.1882G>A, p.Ala628Thr (NM_001278912.2); c.1639G>A, p.Ala547Thr (NM_001278913.2); c.1810G>A, p.Ala604Thr (NM_001278914.2); c.1900G>A, p.Ala634Thr (NM_001278915.2); and 4 more; short protein forms A604T, A618T, A628T, A539T, A599T, A614T, A634T, A690T.
Identifiers: ClinVar variation 4729695 (VCV004729695.1).